The following is an entry in ClinVar:

ClinVar aggregate classification (germline): Uncertain significance. Review status: criteria provided, multiple submitters, no conflicts (2 of 4 stars). 2 submissions from 2 submitters: Uncertain significance (2). Last evaluated 2022-10-06.

Conditions:
Multiple acyl-CoA dehydrogenase deficiency (MADD). Also called: Glutaric acidemia type II; GA 2; Glutaric aciduria, type 2; Glutaric Acidemia type 2; ETHYLMALONIC-ADIPICACIDURIA; GA II. Identifiers: Orphanet 26791, MedGen C0268596, MONDO:0009282, OMIM 231680.

Allele frequency attached by ClinVar (database versions not stated): ExAC 0.00002; gnomAD exomes 0.00002 and 0.00003; gnomAD 0.00003; TOPMed 0.00003; ESP Exome Variant Server 0.00008.
gnomAD v4.1: 54 of 1,588,124 alleles (0.0034%); highest among the groups gnomAD compares: Non-Finnish European, 0.0043%; no homozygotes.

Submissions (2):

Labcorp Genetics (formerly Invitae), Labcorp
Classification: Uncertain significance for Multiple acyl-CoA dehydrogenase deficiency. Last evaluated: 2022-10-06. Review status: criteria provided, single submitter. Criteria: Invitae Variant Classification Sherloc (09022015). Collection method: clinical testing. Allele origin: germline.
Comment: This sequence change replaces alanine, which is neutral and non-polar, with glycine, which is neutral and non-polar, at codon 243 of the ETFA protein (p.Ala243Gly). This variant is present in population databases (rs202121622, gnomAD 0.004%). This variant has not been reported in the literature in individuals affected with ETFA-related conditions. ClinVar contains an entry for this variant (Variation ID: 885179). Advanced modeling of protein sequence and biophysical properties (such as structural, functional, and spatial information, amino acid conservation, physicochemical variation, residue mobility, and thermodynamic stability) performed at Invitae indicates that this missense variant is not expected to disrupt ETFA protein function. In summary, the available evidence is currently insufficient to determine the role of this variant in disease. Therefore, it has been classified as a Variant of Uncertain Significance.

Illumina Laboratory Services, Illumina
Classification: Uncertain significance for Multiple acyl-CoA dehydrogenase deficiency. Last evaluated: 2018-01-13. Review status: criteria provided, single submitter. Criteria: ICSL Variant Classification Criteria 13 December 2019. Collection method: clinical testing. Allele origin: germline.

NM_000126.4(ETFA):c.728C>G (p.Ala243Gly)

Gene: ETFA (electron transfer flavoprotein subunit alpha; minus strand). Cytogenetic location: 15q24.2.
Variant type: single nucleotide variant.
Coding change: c.728C>G on transcript NM_000126.4 (MANE Select); coding-DNA position 728, C replaced by G.
Protein change: p.Ala243Gly; replaces alanine 243 with glycine.
Molecular consequence: missense variant.
Genome position (GRCh38, 1-based): chr15:76,283,762, G>C on the plus strand (C>G on the coding strand, the complement: ETFA is on the minus strand). VCF-style: chr15-76283762-G-C. GRCh37 (hg19) VCF-style: chr15-76576103-G-C.
Other names: c.581C>G, p.Ala194Gly (NM_001127716.2); short protein forms A194G, A243G.
Identifiers: ClinVar variation 885179 (VCV000885179.5), dbSNP rs202121622, ClinGen allele CA7673647.